The following is an entry in ClinVar:

NCBI36/hg18 Xq27.2(chrX:140180787-140591819)x1

Variant type: copy number loss.
Identifiers: ClinVar variation 393647 (VCV000393647.2).

ClinVar aggregate classification (germline): Benign/Likely benign (0 of 4 stars; one submission).

Submission:

ISCA site 19
Classification: Benign/Likely benign. Review status: no assertion criteria provided. Collection method: clinical testing. Allele origin: unknown. Affected: yes. Observed: 3 variant alleles. Clinical features observed: Global developmental delay (HP:0001263), Developmental delay AND/OR other significant developmental or morphological phenotypes.
Comment: Likely benign (1), Benign (2)

Copy number variation identified through the course of routine clinical cytogenomic testing in postnatal populations, with clinical assertions as classified by the original submitter. For data from the original published study, Kaminsky, et al. 2011 (PubMed 21844811), please see nstd101.